The following is an entry in ClinVar:

NM_001164665.2(KIAA1549):c.3580C>T (p.Arg1194Cys)

Gene: KIAA1549 (KIAA1549; minus strand). Cytogenetic location: 7q34.
Variant type: single nucleotide variant.
Coding change: c.3580C>T on transcript NM_001164665.2 (MANE Select); coding-DNA position 3580, C replaced by T.
Protein change: p.Arg1194Cys; replaces arginine 1194 with cysteine.
Molecular consequence: missense variant.
Genome position (GRCh38, 1-based): chr7:138,903,677, G>A on the plus strand (C>T on the coding strand, the complement: KIAA1549 is on the minus strand). VCF-style: chr7-138903677-G-A. GRCh37 (hg19) VCF-style: chr7-138588423-G-A.
Other names: c.3580C>T, p.Arg1194Cys (NM_020910.3); short protein forms R1194C.
Identifiers: ClinVar variation 1348325 (VCV001348325.6), dbSNP rs759929427, ClinGen allele CA4506178.
Genomic context (GRCh38, chr7:138,903,677, plus strand): 5'-TGGCCCTTCTCCACATCCGCCTTCTGGTGGAAACCTCGCTGAGCAGCTGGGCCAGCTTGC[G>A]TTCCATCTCGGCTTGAAACACTTCATTCTGGAGTTGCTTCTCCATGACGCCCAGGAGAAC-3'
Protein context (NP_001158137.1, residues 1184-1204): QNEVFQAEME[Arg1194Cys]KLAQLLSEVS

ClinVar aggregate classification (germline): Uncertain significance (1 of 4 stars; one submission).

Allele frequency attached by ClinVar (database versions not stated): gnomAD exomes 0.00001 and 0.00002; TOPMed 0.00001; gnomAD 0.00002 and 0.00003; ExAC 0.00004.

Submission:

Labcorp Genetics (formerly Invitae), Labcorp
Classification: Uncertain significance. Last evaluated: 2022-02-23. Review status: criteria provided, single submitter. Criteria: Invitae Variant Classification Sherloc (09022015). Collection method: clinical testing. Allele origin: germline.
Comment: In summary, the available evidence is currently insufficient to determine the role of this variant in disease. Therefore, it has been classified as a Variant of Uncertain Significance. Algorithms developed to predict the effect of missense changes on protein structure and function (SIFT, PolyPhen-2, Align-GVGD) all suggest that this variant is likely to be disruptive. This variant has not been reported in the literature in individuals affected with KIAA1549-related conditions. This variant is present in population databases (rs759929427, gnomAD 0.007%). This sequence change replaces arginine, which is basic and polar, with cysteine, which is neutral and slightly polar, at codon 1194 of the KIAA1549 protein (p.Arg1194Cys).